The following is an entry in ClinVar:

NM_015937.6(PIGT):c.662A>G (p.His221Arg)

Gene: PIGT (phosphatidylinositol glycan anchor biosynthesis class T; plus strand). Cytogenetic location: 20q13.12.
Variant type: single nucleotide variant.
Coding change: c.662A>G on transcript NM_015937.6 (MANE Select); coding-DNA position 662, A replaced by G.
Protein change: p.His221Arg; replaces histidine 221 with arginine.
Molecular consequence: missense variant. On other transcripts: non-coding transcript variant (5).
Genome position (GRCh38, 1-based): chr20:45,419,571, A>G. VCF-style: chr20-45419571-A-G. GRCh37 (hg19) VCF-style: chr20-44048211-A-G.
Other names: c.494A>G, p.His165Arg (NM_001184728.3); c.662A>G, p.His221Arg (NM_001184729.3); c.356A>G, p.His119Arg (NM_001184730.3); short protein forms H119R, H221R, H165R.
Identifiers: ClinVar variation 2127247 (VCV002127247.4), dbSNP rs2515531563, ClinGen allele CA409167178.

ClinVar aggregate classification (germline): Uncertain significance (1 of 4 stars; one submission).

Conditions:
Multiple congenital anomalies-hypotonia-seizures syndrome 3 (MCAHS3). Also called: GLYCOSYLPHOSPHATIDYLINOSITOL BIOSYNTHESIS DEFECT 7. Identifiers: Orphanet 369837, MedGen C3809356, MONDO:0014165, OMIM 615398.

Submission:

Labcorp Genetics (formerly Invitae), Labcorp
Classification: Uncertain significance for Multiple congenital anomalies-hypotonia-seizures syndrome 3. Last evaluated: 2024-10-21. Review status: criteria provided, single submitter. Criteria: Invitae Variant Classification Sherloc (09022015). Collection method: clinical testing. Allele origin: germline.
Comment: This sequence change replaces histidine, which is basic and polar, with arginine, which is basic and polar, at codon 221 of the PIGT protein (p.His221Arg). This variant is not present in population databases (gnomAD no frequency). This variant has not been reported in the literature in individuals affected with PIGT-related conditions. ClinVar contains an entry for this variant (Variation ID: 2127247). Invitae Evidence Modeling of protein sequence and biophysical properties (such as structural, functional, and spatial information, amino acid conservation, physicochemical variation, residue mobility, and thermodynamic stability) has been performed for this missense variant. However, the output from this modeling did not meet the statistical confidence thresholds required to predict the impact of this variant on PIGT protein function. Algorithms developed to predict the effect of sequence changes on RNA splicing suggest that this variant may create or strengthen a splice site. In summary, the available evidence is currently insufficient to determine the role of this variant in disease. Therefore, it has been classified as a Variant of Uncertain Significance.